The following is an entry in ClinVar:

ClinVar aggregate classification (germline): Conflicting classifications of pathogenicity. Review status: criteria provided, conflicting classifications (1 of 4 stars). 2 submissions from 2 submitters: Uncertain significance (1); Likely benign (1). Last evaluated 2024-03-23.

Conditions:
Danon disease. Also called: PSEUDOGLYCOGENOSIS II; GSD IIb; LYSOSOMAL GLYCOGEN STORAGE DISEASE WITHOUT ACID MALTASE DEFICIENCY; Glycogen Storage Disease Type IIb; ANTOPOL DISEASE. Identifiers: Orphanet 34587, MedGen C0878677, MONDO:0010281, OMIM 300257.

Submissions (3):

Labcorp Genetics (formerly Invitae), Labcorp
Classification: Likely benign for Danon disease. Last evaluated: 2024-03-23. Review status: criteria provided, single submitter. Criteria: Invitae Variant Classification Sherloc (09022015). Collection method: clinical testing. Allele origin: germline.

GeneDx
Classification: Uncertain significance. Last evaluated: 2023-12-19. Review status: criteria provided, single submitter. Criteria: GeneDx Variant Classification Process June 2021. Collection method: clinical testing. Allele origin: germline. Affected: yes.
Comment: Not observed at significant frequency in large population cohorts (gnomAD); Has not been previously published as pathogenic or benign to our knowledge; In silico analysis suggests this variant may impact gene splicing. In the absence of RNA/functional studies, the actual effect of this sequence change is unknown.

Dr. Peter K. Rogan Lab, Western University
No classification provided (evidence only). Condition: Thyroid cancer, nonmedullary, 1. Review status: no classification provided. Collection method: in vitro. Allele origin: not applicable. Functional consequence: retained intron. Not counted in ClinVar's aggregate classification.

NM_002294.3(LAMP2):c.789C>T (p.Gly263=)

Gene: LAMP2 (lysosome associated membrane protein 2; minus strand). Cytogenetic location: Xq24.
Variant type: single nucleotide variant.
Coding change: c.789C>T on transcript NM_002294.3 (MANE Select); coding-DNA position 789, C replaced by T.
Protein change: p.Gly263=; no amino-acid change (glycine 263 retained).
Molecular consequence: synonymous variant.
Genome position (GRCh38, 1-based): chrX:120,446,380, G>A on the plus strand (C>T on the coding strand, the complement: LAMP2 is on the minus strand). VCF-style: chrX-120446380-G-A. GRCh37 (hg19) VCF-style: chrX-119580235-G-A.
Other names: c.789C>T, p.Gly263= (NM_001122606.1, NM_013995.2).
Identifiers: ClinVar variation 3342480 (VCV003342480.4).